The following is an entry in ClinVar:

ClinVar aggregate classification (germline): Uncertain significance. Review status: criteria provided, multiple submitters, no conflicts (2 of 4 stars). 2 submissions from 2 submitters: Uncertain significance (2). Last evaluated 2024-05-09.

Conditions:
Generalized epilepsy with febrile seizures plus, type 2 (GEFSP2). Also called: GEFS+, TYPE 2. Identifiers: Orphanet 36387, MedGen C1858673, MONDO:0011461, OMIM 604403.
Severe myoclonic epilepsy in infancy (DRVT). Also called: SEVERE MYOCLONIC EPILEPSY OF INFANCY; Dravet syndrome; Epileptic encephalopathy, early infantile, 6 (Dravet syndrome); DEVELOPMENTAL AND EPILEPTIC ENCEPHALOPATHY 6A; Severe Myoclonic Epilepsy in Infancy (SMEI). Identifiers: Orphanet 33069, MedGen C0751122, MONDO:0100135, OMIM 607208.
Developmental and epileptic encephalopathy 6B. Also called: Developmental and epileptic encephalopathy 6B, non-Dravet. Identifiers: MedGen C5543353, MONDO:0030268, OMIM 619317.
Migraine, familial hemiplegic, 3. Identifiers: Orphanet 569, MedGen C1864987, MONDO:0012320, OMIM 609634.
Early-infantile DEE. Also called: Early infantile epileptic encephalopathy; Ohtahara syndrome; Early infantile epileptic encephalopathy with suppression bursts. Identifiers: Orphanet 1934, MedGen C0393706, MONDO:0800491.

gnomAD v4.1: 4 of 1,613,402 alleles (0.00025%); highest among the groups gnomAD compares: Non-Finnish European, 0.00017%; no homozygotes.

Submissions (2):

Labcorp Genetics (formerly Invitae), Labcorp
Classification: Uncertain significance for Early-infantile DEE. Last evaluated: 2024-05-09. Review status: criteria provided, single submitter. Criteria: Invitae Variant Classification Sherloc (09022015). Collection method: clinical testing. Allele origin: germline.
Comment: This sequence change replaces arginine, which is basic and polar, with proline, which is neutral and non-polar, at codon 1988 of the SCN1A protein (p.Arg1988Pro). This variant is not present in population databases (gnomAD no frequency). This variant has not been reported in the literature in individuals affected with SCN1A-related conditions. Advanced modeling of protein sequence and biophysical properties (such as structural, functional, and spatial information, amino acid conservation, physicochemical variation, residue mobility, and thermodynamic stability) performed at Invitae indicates that this missense variant is not expected to disrupt SCN1A protein function with a negative predictive value of 95%. This variant disrupts the p.Arg1988 amino acid residue in SCN1A. Other variant(s) that disrupt this residue have been determined to be pathogenic (PMID: 23708187, 35074891; Invitae). This suggests that this residue is clinically significant, and that variants that disrupt this residue are likely to be disease-causing. In summary, the available evidence is currently insufficient to determine the role of this variant in disease. Therefore, it has been classified as a Variant of Uncertain Significance.

Department of Pathology and Laboratory Medicine, Sinai Health System
Classification: Uncertain significance for Generalized epilepsy with febrile seizures plus, type 2; Severe myoclonic epilepsy in infancy; Migraine, familial hemiplegic, 3; Developmental and epileptic encephalopathy 6B. Last evaluated: 2022-03-23. Review status: criteria provided, single submitter. Criteria: ACMG Guidelines, 2015. Collection method: research. Allele origin: germline.

Literature cited by the submitters: PubMed 23708187 (cited by Labcorp Genetics (formerly Invitae), Labcorp); PubMed 35074891 (cited by Labcorp Genetics (formerly Invitae), Labcorp).

NM_001165963.4(SCN1A):c.5963G>C (p.Arg1988Pro)

Genes: SCN1A (sodium voltage-gated channel alpha subunit 1; minus strand), LOC102724058 (uncharacterized LOC102724058; plus strand). Cytogenetic location: 2q24.3.
Variant type: single nucleotide variant.
Coding change: c.5963G>C on transcript NM_001165963.4 (MANE Select); coding-DNA position 5963, G replaced by C.
Protein change: p.Arg1988Pro; replaces arginine 1988 with proline.
Molecular consequence: missense variant. On other transcripts: non-coding transcript variant (1).
Genome position (GRCh38, 1-based): chr2:165,991,312, C>G on the plus strand (G>C on the coding strand, the complement: SCN1A is on the minus strand). VCF-style: chr2-165991312-C-G. GRCh37 (hg19) VCF-style: chr2-166847822-C-G.
Other names: c.5930G>C, p.Arg1977Pro (NM_001353950.2, NM_001353951.2, NM_001353952.2 and 2 more transcripts); c.5927G>C, p.Arg1976Pro (NM_001353954.2, NM_001353955.2); c.5879G>C, p.Arg1960Pro (NM_001353957.2, NM_001353958.2, NM_001165964.3); c.5876G>C, p.Arg1959Pro (NM_001353960.2); c.3521G>C, p.Arg1174Pro (NM_001353961.2); c.5963G>C, p.Arg1988Pro (NM_001202435.3, NM_001353948.2); short protein forms R1174P, R1959P, R1960P, R1976P, R1977P, R1988P.
Identifiers: ClinVar variation 3625840 (VCV003625840.3).